The following is an entry in ClinVar:

ClinVar aggregate classification (germline): Likely benign. Review status: criteria provided, multiple submitters, no conflicts (2 of 4 stars). 2 submissions from 2 submitters: Likely benign (2). Last evaluated 2024-11-26.

Conditions:
SCN3A-related disorder. Also called: SCN3A-related condition.

Allele frequency attached by ClinVar (database versions not stated): ExAC 0.00001; gnomAD 0.00001; gnomAD exomes 0.00001; TOPMed 0.00001; ESP Exome Variant Server 0.00015.
gnomAD v4.1: 111 of 1,613,940 alleles (0.0069%); highest among the groups gnomAD compares: Non-Finnish European, 0.0089%; no homozygotes.

Submissions (2):

PreventionGenetics, part of Exact Sciences
Classification: Likely benign for SCN3A-related condition. Last evaluated: 2024-11-26. Review status: criteria provided, single submitter. Criteria: ACMG Guidelines, 2015. Collection method: clinical testing. Allele origin: germline.
Comment: This variant is classified as likely benign based on ACMG/AMP sequence variant interpretation guidelines (Richards et al. 2015 PMID: 25741868, with internal and published modifications).

Labcorp Genetics (formerly Invitae), Labcorp
Classification: Likely benign. Last evaluated: 2024-08-18. Review status: criteria provided, single submitter. Criteria: Invitae Variant Classification Sherloc (09022015). Collection method: clinical testing. Allele origin: germline.

NM_006922.4(SCN3A):c.1841C>T (p.Pro614Leu)

Gene: SCN3A (sodium voltage-gated channel alpha subunit 3; minus strand). Cytogenetic location: 2q24.3.
Variant type: single nucleotide variant.
Coding change: c.1841C>T on transcript NM_006922.4 (MANE Select); coding-DNA position 1841, C replaced by T.
Protein change: p.Pro614Leu; replaces proline 614 with leucine.
Molecular consequence: missense variant.
Genome position (GRCh38, 1-based): chr2:165,140,829, G>A on the plus strand (C>T on the coding strand, the complement: SCN3A is on the minus strand). VCF-style: chr2-165140829-G-A. GRCh37 (hg19) VCF-style: chr2-165997339-G-A.
Other names: c.1841C>T, p.Pro614Leu (NM_001081676.2, NM_001081677.2); short protein forms P614L.
Identifiers: ClinVar variation 403864 (VCV000403864.12), dbSNP rs375276437, ClinGen allele CA1939078.